The following is an entry in ClinVar:

ClinVar aggregate classification (germline): Uncertain significance. Review status: criteria provided, multiple submitters, no conflicts (2 of 4 stars). 2 submissions from 2 submitters: Uncertain significance (2). Last evaluated 2024-04-05.

Conditions:
Hereditary cancer-predisposing syndrome. Also called: Tumor predisposition; Neoplastic Syndromes, Hereditary; Hereditary Cancer Syndrome; Hereditary neoplastic syndrome. Identifiers: Orphanet 140162, MedGen C0027672, MeSH D009386, MONDO:0015356.

Submissions (2):

Ambry Genetics
Classification: Uncertain significance for Hereditary cancer-predisposing syndrome. Last evaluated: 2024-04-05. Review status: criteria provided, single submitter. Criteria: Ambry Variant Classification Scheme 2023. Collection method: clinical testing. Allele origin: germline.
Comment: The p.K510R variant (also known as c.1529A>G), located in coding exon 10 of the FH gene, results from an A to G substitution at nucleotide position 1529. The lysine at codon 510 is replaced by arginine, an amino acid with highly similar properties. This amino acid position is well conserved in available vertebrate species. In addition, the in silico prediction for this alteration is inconclusive. Based on the available evidence, the clinical significance of this variant remains unclear.

GeneDx
Classification: Uncertain significance. Last evaluated: 2019-10-01. Review status: criteria provided, single submitter. Criteria: GeneDx Variant Classification Process June 2021. Collection method: clinical testing. Allele origin: germline. Affected: yes.
Comment: Not observed in large population cohorts (Lek 2016); In silico analysis, which includes protein predictors and evolutionary conservation, supports that this variant does not alter protein structure/function; Has not been previously published as pathogenic or benign to our knowledge

NM_000143.4(FH):c.1529A>G (p.Lys510Arg)

Gene: FH (fumarate hydratase; minus strand). Cytogenetic location: 1q43.
Variant type: single nucleotide variant.
Coding change: c.1529A>G on transcript NM_000143.4 (MANE Select); coding-DNA position 1529, A replaced by G.
Protein change: p.Lys510Arg; replaces lysine 510 with arginine.
Molecular consequence: missense variant.
Genome position (GRCh38, 1-based): chr1:241,497,832, T>C on the plus strand (A>G on the coding strand, the complement: FH is on the minus strand). VCF-style: chr1-241497832-T-C. GRCh37 (hg19) VCF-style: chr1-241661132-T-C.
Other names: short protein forms K510R.
Identifiers: ClinVar variation 1309061 (VCV001309061.3), dbSNP rs2147911174, ClinGen allele CA345449919.